The following is an entry in ClinVar:

ClinVar aggregate classification (germline): Likely pathogenic (1 of 4 stars; one submission).

Submission:

ARUP Laboratories, Molecular Genetics and Genomics, ARUP Laboratories
Classification: Likely pathogenic. Last evaluated: 2024-04-22. Review status: criteria provided, single submitter. Criteria: ARUP Molecular Germline Variant Investigation Process 2024. Collection method: clinical testing. Allele origin: germline.
Comment: The PIEZO1 c.6753+1G>A variant (rs751783853), to our knowledge, is not reported in the medical literature or gene specific databases. This variant is only observed on one allele in the Genome Aggregation Database, indicating it is not a common polymorphism. This variant disrupts the canonical splice donor site of intron 40, which is likely to negatively impact gene function. Based on available information, this variant is considered to be likely pathogenic for recessive lymphatic malformation.

NM_001142864.4(PIEZO1):c.6753+1G>A

Gene: PIEZO1 (piezo type mechanosensitive ion channel component 1 (Er blood group); minus strand). Cytogenetic location: 16q24.3.
Variant type: single nucleotide variant.
Coding change: c.6753+1G>A on transcript NM_001142864.4 (MANE Select); the canonical splice donor site of the intron after coding-DNA position 6753, G replaced by A.
Molecular consequence: splice donor variant.
Genome position (GRCh38, 1-based): chr16:88,716,805, C>T on the plus strand (G>A on the coding strand, the complement: PIEZO1 is on the minus strand). VCF-style: chr16-88716805-C-T. GRCh37 (hg19) VCF-style: chr16-88783213-C-T.
Identifiers: ClinVar variation 3766580 (VCV003766580.1).